The following is an entry in ClinVar:

ClinVar aggregate classification (germline): Benign. Review status: criteria provided, multiple submitters, no conflicts (2 of 4 stars). 3 submissions from 3 submitters: Benign (3). Last evaluated 2021-07-10.

Conditions:
Congenital lactic acidosis, Saguenay-Lac-Saint-Jean type (MC4DN5). Also called: CYTOCHROME c OXIDASE DEFICIENCY, FRENCH CANADIAN TYPE; COX DEFICIENCY, FRENCH CANADIAN TYPE; MITOCHONDRIAL COMPLEX IV DEFICIENCY, NUCLEAR TYPE 5. Identifiers: Orphanet 70472, MedGen C1857355, MONDO:0009069, OMIM 220111.

Allele frequency attached by ClinVar (database versions not stated): gnomAD exomes 0.11931; 1000 Genomes Project 0.14816; 1000 Genomes Project 30x 0.15287; gnomAD 0.18639 and 0.19606; TOPMed 0.19589.
gnomAD v4.1: 93,438 of 692,868 alleles (13%); highest among the groups gnomAD compares: African/African-American, 33%; 8,349 homozygotes.

Submissions (3):

Genome-Nilou Lab
Classification: Benign for Congenital lactic acidosis, Saguenay-Lac-Saint-Jean type. Last evaluated: 2021-07-10. Review status: criteria provided, single submitter. Criteria: ACMG Guidelines, 2015. Collection method: clinical testing. Allele origin: germline. Affected: no.

GeneDx
Classification: Benign. Last evaluated: 2018-06-19. Review status: criteria provided, single submitter. Criteria: GeneDx Variant Classification (06012015). Collection method: clinical testing. Allele origin: germline. Affected: yes.
Comment: This variant is considered likely benign or benign based on one or more of the following criteria: it is a conservative change, it occurs at a poorly conserved position in the protein, it is predicted to be benign by multiple in silico algorithms, and/or has population frequency not consistent with disease.

Breakthrough Genomics
Classification: Benign. Review status: criteria provided, single submitter. Criteria: ACMG Guidelines, 2015. Collection method: not provided. Allele origin: germline. Inheritance: Autosomal recessive inheritance. Affected: yes.

NM_133259.4(LRPPRC):c.1677+152G>A

Gene: LRPPRC (leucine rich pentatricopeptide repeat containing; minus strand). Cytogenetic location: 2p21.
Variant type: single nucleotide variant.
Coding change: c.1677+152G>A on transcript NM_133259.4 (MANE Select); 152 bases into the intron after coding-DNA position 1677, G replaced by A.
Molecular consequence: intron variant.
Genome position (GRCh38, 1-based): chr2:43,950,421, C>T on the plus strand (G>A on the coding strand, the complement: LRPPRC is on the minus strand). VCF-style: chr2-43950421-C-T. GRCh37 (hg19) VCF-style: chr2-44177560-C-T.
Identifiers: ClinVar variation 684314 (VCV000684314.5), dbSNP rs59338949, ClinGen allele CA15193878.